The following is an entry in ClinVar:

NM_001040108.2(MLH3):c.3343C>T (p.Arg1115Ter)

Gene: MLH3 (mutL homolog 3; minus strand). Cytogenetic location: 14q24.3.
Variant type: single nucleotide variant.
Coding change: c.3343C>T on transcript NM_001040108.2 (MANE Select); coding-DNA position 3343, C replaced by T.
Protein change: p.Arg1115Ter; replaces arginine 1115 with a stop codon.
Molecular consequence: nonsense.
Genome position (GRCh38, 1-based): chr14:75,042,415, G>A on the plus strand (C>T on the coding strand, the complement: MLH3 is on the minus strand). VCF-style: chr14-75042415-G-A. GRCh37 (hg19) VCF-style: chr14-75509118-G-A.
Other names: c.3343C>T, p.Arg1115Ter (NM_014381.3); short protein forms R1115*.
Identifiers: ClinVar variation 2623834 (VCV002623834.3), dbSNP rs749297558, ClinGen allele CA7275526.

ClinVar aggregate classification (germline): Uncertain significance (1 of 4 stars; one submission).

gnomAD v4.1: 8 of 1,614,096 alleles (0.0005%); highest among the groups gnomAD compares: South Asian, 0.0011%; no homozygotes.

Submission:

Ambry Genetics
Classification: Uncertain significance. Last evaluated: 2026-06-15. Review status: criteria provided, single submitter. Criteria: Ambry Variant Classification Scheme 2023. Collection method: clinical testing. Allele origin: germline.
Comment: The p.R1115* variant (also known as c.3343C>T), located in coding exon 2 of the MLH3 gene, results from a C to T substitution at nucleotide position 3343. This changes the amino acid from an arginine to a stop codon within coding exon 2. Loss-of-function variants are expected to result in loss of function by premature protein truncation or nonsense-mediated mRNA decay. However, in silico splice site analysis predicts that this alteration may weaken the native splice donor site and the resulting transcript is predicted to be in-frame, although direct evidence is unavailable. The exact functional effect of this variant is unknown. Based on the available evidence, the clinical significance of this variant remains unclear.